The following is an entry in ClinVar:

ClinVar aggregate classification (germline): Uncertain significance (1 of 4 stars; one submission).

Conditions:
Hereditary cancer-predisposing syndrome. Also called: Tumor predisposition; Hereditary Cancer Syndrome; Hereditary neoplastic syndrome; Neoplastic Syndromes, Hereditary. Identifiers: Orphanet 140162, MedGen C0027672, MeSH D009386, MONDO:0015356.

Submission:

Ambry Genetics
Classification: Uncertain significance for Hereditary cancer-predisposing syndrome. Last evaluated: 2023-08-18. Review status: criteria provided, single submitter. Criteria: Ambry Variant Classification Scheme 2023. Collection method: clinical testing. Allele origin: germline.
Comment: The p.P405R variant (also known as c.1214C>G), located in coding exon 6 of the RET gene, results from a C to G substitution at nucleotide position 1214. The proline at codon 405 is replaced by arginine, an amino acid with dissimilar properties. This amino acid position is well conserved in available vertebrate species. In addition, this alteration is predicted to be tolerated by in silico analysis. Since supporting evidence is limited at this time, the clinical significance of this alteration remains unclear.

NM_020975.6(RET):c.1214C>G (p.Pro405Arg)

Gene: RET (ret proto-oncogene; plus strand). Cytogenetic location: 10q11.21.
Variant type: single nucleotide variant.
Coding change: c.1214C>G on transcript NM_020975.6 (MANE Select); coding-DNA position 1214, C replaced by G.
Protein change: p.Pro405Arg; replaces proline 405 with arginine.
Molecular consequence: missense variant. On other transcripts: intron variant (18).
Genome position (GRCh38, 1-based): chr10:43,109,181, C>G. VCF-style: chr10-43109181-C-G. GRCh37 (hg19) VCF-style: chr10-43604629-C-G.
Other names: c.1214C>G, p.Pro405Arg (NM_000323.2, NM_001406743.1, NM_001406744.1 and 6 more transcripts); c.452C>G, p.Pro151Arg (NM_001355216.2); c.1085C>G, p.Pro362Arg (NM_001406761.1, NM_001406762.1, NM_001406764.1 and 1 more transcripts); c.926C>G, p.Pro309Arg (NM_001406766.1, NM_001406767.1, NM_001406770.1); c.776C>G, p.Pro259Arg (NM_001406771.1, NM_001406773.1); c.488C>G, p.Pro163Arg (NM_001406775.1, NM_001406776.1, NM_001406777.1 and 1 more transcripts); c.224C>G, p.Pro75Arg (NM_001406784.1); c.868-2026C>G (NM_001406772.1, NM_001406769.1); and 5 more; short protein forms P151R, P75R, P163R, P362R, P405R, P259R, P309R.
Identifiers: ClinVar variation 2625016 (VCV002625016.2), dbSNP rs2538425581, ClinGen allele CA376547848.